The following is an entry in ClinVar:

ClinVar aggregate classification (germline): Pathogenic. Review status: criteria provided, multiple submitters, no conflicts (2 of 4 stars). 3 submissions from 3 submitters: Pathogenic (3). Last evaluated 2026-08-01.

Conditions:
Familial thoracic aortic aneurysm and aortic dissection (TAAD). Also called: Thoracic aortic aneurysms and dissections. Identifiers: Orphanet 91387, MedGen C4707243, MONDO:0019625.

Submissions (3):

CeGaT Center for Human Genetics Tuebingen
Classification: Pathogenic. Last evaluated: 2026-08-01. Review status: criteria provided, single submitter. Criteria: CeGaT Center For Human Genetics Tuebingen Variant Classification Criteria Version 2. Collection method: clinical testing. Allele origin: germline. Affected: yes. Observed: 1 variant allele.
Comment: SMAD3: PVS1, PM2, PS4:Supporting

Labcorp Genetics (formerly Invitae), Labcorp
Classification: Pathogenic for Familial thoracic aortic aneurysm and aortic dissection. Last evaluated: 2026-01-27. Review status: criteria provided, single submitter. Criteria: Invitae Variant Classification Sherloc (09022015). Collection method: clinical testing. Allele origin: germline.
Comment: This sequence change creates a premature translational stop signal (p.Asn165*) in the SMAD3 gene. It is expected to result in an absent or disrupted protein product. Loss-of-function variants in SMAD3 are known to be pathogenic (PMID: 21778426, 24804794). This variant is not present in population databases (gnomAD no frequency). This premature translational stop signal has been observed in individual(s) with clinical features of SMAD3-related conditions (PMID: 29907982). ClinVar contains an entry for this variant (Variation ID: 2152248). For these reasons, this variant has been classified as Pathogenic.

Ambry Genetics
Classification: Pathogenic for Familial thoracic aortic aneurysm and aortic dissection. Last evaluated: 2024-06-05. Review status: criteria provided, single submitter. Criteria: Ambry Variant Classification Scheme 2023. Collection method: clinical testing. Allele origin: germline.
Comment: The c.492dupT pathogenic mutation, located in coding exon 3 of the SMAD3 gene, results from a duplication of T at nucleotide position 492, causing a translational frameshift with a predicted alternate stop codon (p.N165*). This alteration has been reported in a hereditary thoracic aortic disorders cohort (Overwater E et al. Hum Mutat, 2018 Sep;39:1173-1192). This variant is considered to be rare based on population cohorts in the Genome Aggregation Database (gnomAD). In addition to the clinical data presented in the literature, this alteration is expected to result in loss of function by premature protein truncation or nonsense-mediated mRNA decay. As such, this alteration is interpreted as a disease-causing mutation.

Literature cited by the submitters: PubMed 21778426 (cited by Labcorp Genetics (formerly Invitae), Labcorp); PubMed 24804794 (cited by Labcorp Genetics (formerly Invitae), Labcorp); PubMed 29907982 (cited by Labcorp Genetics (formerly Invitae), Labcorp and Ambry Genetics).

NM_005902.4(SMAD3):c.492dup (p.Asn165Ter)

Gene: SMAD3 (SMAD family member 3; plus strand). Cytogenetic location: 15q22.33.
Variant type: Duplication.
Coding change: c.492dup on transcript NM_005902.4 (MANE Select); coding-DNA position 492, one base duplicated (T; older notation c.492dupT).
Protein change: p.Asn165Ter; replaces asparagine 165 with a stop codon.
Molecular consequence: nonsense.
Genome position (GRCh38, 1-based): chr15:67,165,344, T duplicated. VCF-style (leftmost placement, unchanged base first): chr15-67165343-C-CT. GRCh37 (hg19) VCF-style: chr15-67457681-C-CT.
Other names: c.177dup, p.Asn60Ter (NM_001145102.2); c.360dup, p.Asn121Ter (NM_001145103.2); short protein forms N165*, N60*, N121*.
Identifiers: ClinVar variation 2152248 (VCV002152248.6), dbSNP rs1555412140, ClinGen allele CA323010.